The following is an entry in ClinVar:

NM_014244.5(ADAMTS2):c.84GCC[8] (p.Pro33_Pro34dup)

Gene: ADAMTS2 (ADAM metallopeptidase with thrombospondin type 1 motif 2; minus strand). Cytogenetic location: 5q35.3.
Variant type: Microsatellite.
Coding change: c.84GCC[8] on transcript NM_014244.5 (MANE Select); eight copies in a row of the 3-base unit GCC starting at c.84; the reference has six copies in a row; two copies, 6 bases duplicated; also written c.96_101dup.
Protein change: p.Pro33_Pro34dup.
Molecular consequence: inframe insertion.
Genome position (GRCh38, 1-based): chr5:179,345,228-179,345,233, GGCGGC duplicated on the plus strand (GCCGCC on the coding strand, the reverse complement: ADAMTS2 is on the minus strand); duplicating any 6 consecutive bases within chr5:179,345,228-179,345,245 gives the same sequence; the position shown is the placement nearest the transcript's 3' end. VCF-style (leftmost placement, unchanged base first): chr5-179345227-G-GGGCGGC. GRCh37 (hg19) VCF-style: chr5-178772228-G-GGGCGGC.
Other names: c.84GCC[8], p.Pro33_Pro34dup (NM_021599.4); c.96_101dup (NM_014244.5).
Identifiers: ClinVar variation 572630 (VCV000572630.8), dbSNP rs770212030, ClinGen allele CA891842874.

ClinVar aggregate classification (germline): Uncertain significance. Review status: criteria provided, multiple submitters, no conflicts (2 of 4 stars). 3 submissions from 3 submitters: Uncertain significance (2). 1 of the submissions does not count toward it. Last evaluated 2021-12-15.

Conditions:
Ehlers-Danlos syndrome, dermatosparaxis type. Also called: Dermatosparaxis; Ehlers-Danlos syndrome, type VII, autosomal recessive; EDS VIIC. Identifiers: Orphanet 1901, MedGen C2700425, MONDO:0009161, OMIM 225410.

Submissions (3):

Labcorp Genetics (formerly Invitae), Labcorp
Classification: Uncertain significance for Ehlers-Danlos syndrome, dermatosparaxis type. Last evaluated: 2021-12-15. Review status: criteria provided, single submitter. Criteria: Invitae Variant Classification Sherloc (09022015). Collection method: clinical testing. Allele origin: germline.
Comment: This variant, c.96_101dup, results in the insertion of 2 amino acid(s) of the ADAMTS2 protein (p.Pro33_Pro34dup), but otherwise preserves the integrity of the reading frame. This variant is not present in population databases (gnomAD no frequency). This variant has not been reported in the literature in individuals affected with ADAMTS2-related conditions. ClinVar contains an entry for this variant (Variation ID: 572630). Experimental studies and prediction algorithms are not available or were not evaluated, and the functional significance of this variant is currently unknown. In summary, the available evidence is currently insufficient to determine the role of this variant in disease. Therefore, it has been classified as a Variant of Uncertain Significance.

GeneDx
Classification: Uncertain significance. Last evaluated: 2019-10-10. Review status: criteria provided, single submitter. Criteria: GeneDx Variant Classification Process June 2021. Collection method: clinical testing. Allele origin: germline. Affected: yes.
Comment: Not observed in large population cohorts (Lek et al., 2016); Has not been previously published as pathogenic or benign to our knowledge

Natera, Inc.
Classification: Uncertain significance for Ehlers-Danlos syndrome type VIIC. Last evaluated: 2020-03-07. Review status: no assertion criteria provided. Collection method: clinical testing. Allele origin: germline. Not counted in ClinVar's aggregate classification.